The following is an entry in ClinVar:

ClinVar aggregate classification (germline): Pathogenic. Review status: criteria provided, single submitter (1 of 4 stars). 2 submissions from 2 submitters: Pathogenic (1). 1 of the submissions does not count toward it. Last evaluated 2024-11-21.

Conditions:
Familial adenomatous polyposis 1 (FAP1). Also called: FAMILIAL ADENOMATOUS POLYPOSIS 1, ATTENUATED; POLYPOSIS, ADENOMATOUS INTESTINAL. Identifiers: MedGen C2713442, MONDO:0021056, OMIM 175100. Disease mechanism: loss of function.

Submissions (2):

Labcorp Genetics (formerly Invitae), Labcorp
Classification: Pathogenic for Familial adenomatous polyposis 1. Last evaluated: 2024-11-21. Review status: criteria provided, single submitter. Criteria: Invitae Variant Classification Sherloc (09022015). Collection method: clinical testing. Allele origin: germline.
Comment: This sequence change creates a premature translational stop signal (p.Ser1100Hisfs*25) in the APC gene. While this is not anticipated to result in nonsense mediated decay, it is expected to disrupt the last 1744 amino acid(s) of the APC protein. This variant is not present in population databases (gnomAD no frequency). This premature translational stop signal has been observed in individual(s) with familial adenomatous polyposis (PMID: 23159591). ClinVar contains an entry for this variant (Variation ID: 217965). This variant is expected to disrupt the EB1 and HDLG binding sites, which mediate interactions with the cytoskeleton (PMID: 15311282, 17293347). While functional studies have not been performed to directly test the effect on APC protein function, this suggests that disruption of the C-terminal portion of the protein is functionally important. A different truncation (p.Tyr2645Lysfs*14) that lies downstream of this variant has been determined to be pathogenic (PMID: 9824584, 1316610, 27081525, 8381579, 22135120, internal data). This suggests that deletion of this region of the APC protein is causative of disease. For these reasons, this variant has been classified as Pathogenic.

Mayo Clinic Laboratories, Mayo Clinic
Classification: Likely pathogenic. Review status: no assertion criteria provided. Collection method: research. Allele origin: unknown. Observed: 1 variant allele. Not counted in ClinVar's aggregate classification.

Literature cited by the submitters: PubMed 23159591 (cited by Labcorp Genetics (formerly Invitae), Labcorp); PubMed 15311282 (cited by Labcorp Genetics (formerly Invitae), Labcorp); PubMed 17293347 (cited by Labcorp Genetics (formerly Invitae), Labcorp); PubMed 9824584 (cited by Labcorp Genetics (formerly Invitae), Labcorp); PubMed 1316610 (cited by Labcorp Genetics (formerly Invitae), Labcorp); PubMed 27081525 (cited by Labcorp Genetics (formerly Invitae), Labcorp); PubMed 8381579 (cited by Labcorp Genetics (formerly Invitae), Labcorp); PubMed 22135120 (cited by Labcorp Genetics (formerly Invitae), Labcorp).

NM_000038.6(APC):c.3298_3301del (p.Ser1100fs)

Gene: APC (APC regulator of Wnt signaling pathway; plus strand). Cytogenetic location: 5q22.2.
Variant type: Deletion.
Coding change: c.3298_3301del on transcript NM_000038.6 (MANE Select); coding-DNA positions 3298 to 3301, 4 bases deleted (TCTC; older notation c.3298_3301delTCTC).
Protein change: p.Ser1100fs; shifts the reading frame from serine 1100.
Molecular consequence: frameshift variant.
Genome position (GRCh38, 1-based): chr5:112,838,892-112,838,895, TCTC deleted. VCF-style (leftmost placement, unchanged base first): chr5-112838891-TTCTC-T. GRCh37 (hg19) VCF-style: chr5-112174588-TTCTC-T.
Other names: c.3298_3301del, p.Ser1100fs (NM_001127510.3, NM_001354895.2); c.3244_3247del, p.Ser1082fs (NM_001127511.3); c.3352_3355del, p.Ser1118fs (NM_001354896.2); c.3328_3331del, p.Ser1110fs (NM_001354897.2); c.3223_3226del, p.Ser1075fs (NM_001354898.2); c.3214_3217del, p.Ser1072fs (NM_001354899.2); c.3175_3178del, p.Ser1059fs (NM_001354900.2); c.3121_3124del, p.Ser1041fs (NM_001354901.2); and 5 more; short protein forms S1059fs, S1118fs, S940fs, S1072fs, S1082fs, S1100fs, S974fs, S1041fs.
Identifiers: ClinVar variation 217965 (VCV000217965.14), dbSNP rs863225341, ClinGen allele CA279781.